The following is an entry in ClinVar:

NC_012920.1(MT-TT):m.15943T>C

Gene: MT-TT (mitochondrially encoded tRNA threonine; plus strand).
Variant type: single nucleotide variant.
Genome position: chrM-15943-T-C.
Identifiers: ClinVar variation 143905 (VCV000143905.3), dbSNP rs527236200, ClinGen allele CA170534.

ClinVar aggregate classification (germline): Benign. Review status: criteria provided, single submitter (1 of 4 stars). 2 submissions from 2 submitters: Benign (1). 1 of the submissions does not count toward it. Last evaluated 2019-07-12.

Conditions:
Ovarian neoplasm. Also called: Ovarian tumor; Neoplasm of ovary; Ovarian Neoplasms. Identifiers: MedGen C0919267, MeSH D010051, MONDO:0021068, HP:0100615.
MELAS syndrome (MELAS). Also called: Juvenile myopathy, encephalopathy, lactic acidosis, stroke. Identifiers: Orphanet 550, MedGen C0162671, MONDO:0010789, OMIM 540000.

Submissions (2):

Wong Mito Lab, Molecular and Human Genetics, Baylor College of Medicine
Classification: Benign for MELAS syndrome. Last evaluated: 2019-07-12. Review status: criteria provided, single submitter. Criteria: Modified ACMG Guidelines (Unpublished). Collection method: clinical testing. Allele origin: germline.
Comment: The NC_012920.1:m.15943T>C variant in MT-TT gene is interpreted to be a Benign variant based on the modified ACMG guidelines (unpublished). This variant meets the following evidence codes reported in the guidelines: BS1, BS2, BP4, BP6

Department of Zoology Govt. MVM College
Classification: Likely pathogenic for Neoplasm of ovary. Review status: no assertion criteria provided. Collection method: not provided. Allele origin: unknown. Not counted in ClinVar's aggregate classification.
Comment: KM275488
ClinVar note: Converted during submission from probable-pathogenic to Likely pathogenic.

Literature cited by the submitters: PubMed 31965079 (cited by Wong Mito Lab, Molecular and Human Genetics, Baylor College of Medicine).